The following is an entry in ClinVar:

ClinVar aggregate classification (germline): Uncertain significance (1 of 4 stars; one submission).

Allele frequency attached by ClinVar (database versions not stated): TOPMed below 0.00001; gnomAD 0.00001.
gnomAD v4.1: 2 of 1,613,882 alleles (0.00012%); highest among the groups gnomAD compares: African/African-American, 0.0013%; no homozygotes.

Submission:

Ambry Genetics
Classification: Uncertain significance. Last evaluated: 2023-03-27. Review status: criteria provided, single submitter. Criteria: Ambry Variant Classification Scheme 2023. Collection method: clinical testing. Allele origin: germline.
Comment: The p.S1385F variant (also known as c.4154C>T), located in coding exon 17 of the NPAT gene, results from a C to T substitution at nucleotide position 4154. The serine at codon 1385 is replaced by phenylalanine, an amino acid with highly dissimilar properties. This amino acid position is conserved. In addition, this alteration is predicted to be tolerated by in silico analysis. Since supporting evidence is limited at this time, the clinical significance of this alteration remains unclear.

NM_002519.3(NPAT):c.4154C>T (p.Ser1385Phe)

Gene: NPAT (nuclear protein, coactivator of histone transcription; minus strand). Cytogenetic location: 11q22.3.
Variant type: single nucleotide variant.
Coding change: c.4154C>T on transcript NM_002519.3 (MANE Select); coding-DNA position 4154, C replaced by T.
Protein change: p.Ser1385Phe; replaces serine 1385 with phenylalanine.
Molecular consequence: missense variant.
Genome position (GRCh38, 1-based): chr11:108,160,932, G>A on the plus strand (C>T on the coding strand, the complement: NPAT is on the minus strand). VCF-style: chr11-108160932-G-A. GRCh37 (hg19) VCF-style: chr11-108031659-G-A.
Other names: c.4175C>T, p.Ser1392Phe (NM_001321307.1); short protein forms S1385F, S1392F.
Identifiers: ClinVar variation 2561411 (VCV002561411.2), dbSNP rs1342655741, ClinGen allele CA382509253.